The following is an entry in ClinVar:

NM_016390.4(SPOUT1):c.534C>T (p.Pro178=)

Genes: KYAT1-SPOUT1 (KYAT1-SPOUT1 readthrough; minus strand), SPOUT1 (SPOUT domain containing methyltransferase 1; minus strand). Cytogenetic location: 9q34.11.
Variant type: single nucleotide variant.
Coding change: c.534C>T on transcript NM_016390.4 (MANE Select); coding-DNA position 534, C replaced by T.
Protein change: p.Pro178=; no amino-acid change (proline 178 retained).
Molecular consequence: synonymous variant. On other transcripts: non-coding transcript variant (2).
Genome position (GRCh38, 1-based): chr9:128,826,127, G>A on the plus strand (C>T on the coding strand, the complement: SPOUT1 is on the minus strand). VCF-style: chr9-128826127-G-A. GRCh37 (hg19) VCF-style: chr9-131588406-G-A.
Other names: c.1881C>T, p.Pro627= (NM_001414398.1).
Identifiers: ClinVar variation 3039768 (VCV003039768.2), dbSNP rs776677726, ClinGen allele CA5269851.

ClinVar aggregate classification (germline): Likely benign (0 of 4 stars; one submission).

Conditions:
SPOUT1-related disorder. Also called: SPOUT1-related condition.

Allele frequency attached by ClinVar (database versions not stated): TOPMed 0.00002; gnomAD 0.00003; gnomAD exomes 0.00003; ExAC 0.00004.
gnomAD v4.1: 55 of 1,611,342 alleles (0.0034%); highest among the groups gnomAD compares: Non-Finnish European, 0.0043%; no homozygotes.

Submission:

PreventionGenetics, part of Exact Sciences
Classification: Likely benign for SPOUT1-related condition. Last evaluated: 2019-09-10. Review status: no assertion criteria provided. Collection method: clinical testing. Allele origin: germline.
Comment: This variant is classified as likely benign based on ACMG/AMP sequence variant interpretation guidelines (Richards et al. 2015 PMID: 25741868, with internal and published modifications).